The following is an entry in ClinVar:

NM_000245.4(MET):c.3010C>G (p.Arg1004Gly)

Gene: MET (MET proto-oncogene, receptor tyrosine kinase; plus strand). Cytogenetic location: 7q31.2.
Variant type: single nucleotide variant.
Coding change: c.3010C>G on transcript NM_000245.4 (MANE Select); coding-DNA position 3010, C replaced by G.
Protein change: p.Arg1004Gly; replaces arginine 1004 with glycine.
Molecular consequence: missense variant.
Genome position (GRCh38, 1-based): chr7:116,771,971, C>G. VCF-style: chr7-116771971-C-G. GRCh37 (hg19) VCF-style: chr7-116412025-C-G.
Other names: c.3064C>G, p.Arg1022Gly (NM_001127500.3); c.1720C>G, p.Arg574Gly (NM_001324402.2); short protein forms R1004G, R574G, R1022G.
Identifiers: ClinVar variation 4647990 (VCV004647990.1).

ClinVar aggregate classification (germline): Uncertain significance (1 of 4 stars; one submission).

Conditions:
Hereditary cancer-predisposing syndrome. Also called: Neoplastic Syndromes, Hereditary; Tumor predisposition; Hereditary Cancer Syndrome; Hereditary neoplastic syndrome. Identifiers: Orphanet 140162, MedGen C0027672, MeSH D009386, MONDO:0015356.

Submission:

Ambry Genetics
Classification: Uncertain significance for Hereditary cancer-predisposing syndrome. Last evaluated: 2025-11-10. Review status: criteria provided, single submitter. Criteria: Ambry Variant Classification Scheme 2023. Collection method: clinical testing. Allele origin: germline.
Comment: The p.R1022G variant (also known as c.3064C>G), located in coding exon 13 of the MET gene, results from a C to G substitution at nucleotide position 3064. The arginine at codon 1022 is replaced by glycine, an amino acid with dissimilar properties. This amino acid position is highly conserved in available vertebrate species. In addition, this alteration is predicted to be deleterious by in silico analysis. Based on the available evidence, the clinical significance of this variant remains unclear.